The following is an entry in ClinVar:

ClinVar aggregate classification (germline): Likely pathogenic (1 of 4 stars; one submission).

gnomAD v4.1: 30 of 1,613,758 alleles (0.0019%); highest among the groups gnomAD compares: Non-Finnish European, 0.0025%; no homozygotes.

Submission:

Labcorp Genetics (formerly Invitae), Labcorp
Classification: Likely pathogenic. Last evaluated: 2025-11-17. Review status: criteria provided, single submitter. Criteria: Invitae Variant Classification Sherloc (09022015). Collection method: clinical testing. Allele origin: germline.
Comment: This sequence change affects a donor splice site in intron 20 of the TRAPPC9 gene. It is expected to disrupt RNA splicing. Variants that disrupt the donor or acceptor splice site typically lead to a loss of protein function (PMID: 16199547), and loss-of-function variants in TRAPPC9 are known to be pathogenic (PMID: 2000476, 20004763, 20004764). This variant is not present in population databases (gnomAD no frequency). This variant has not been reported in the literature in individuals affected with TRAPPC9-related conditions. Algorithms developed to predict the effect of sequence changes on RNA splicing suggest that this variant may disrupt the consensus splice site. In summary, the currently available evidence indicates that the variant is pathogenic, but additional data are needed to prove that conclusively. Therefore, this variant has been classified as Likely Pathogenic.

Literature cited by the submitters: PubMed 16199547; PubMed 2000476; PubMed 20004763; PubMed 20004764.

NM_001160372.4(TRAPPC9):c.2964+2T>C

Gene: TRAPPC9 (trafficking protein particle complex subunit 9; minus strand). Cytogenetic location: 8q24.3.
Variant type: single nucleotide variant.
Coding change: c.2964+2T>C on transcript NM_001160372.4 (MANE Select); the canonical splice donor site of the intron after coding-DNA position 2964, T replaced by C.
Molecular consequence: splice donor variant.
Genome position (GRCh38, 1-based): chr8:139,910,145, A>G on the plus strand (T>C on the coding strand, the complement: TRAPPC9 is on the minus strand). VCF-style: chr8-139910145-A-G. GRCh37 (hg19) VCF-style: chr8-140922389-A-G.
Other names: c.2964+2T>C (NM_031466.8); c.2937+2T>C (NM_001321646.2); c.2820+2T>C (NM_001374684.1); c.2853+2T>C (NM_001374683.1); c.2985+2T>C (NM_001374682.1).
Identifiers: ClinVar variation 4769716 (VCV004769716.1).